The following is an entry in ClinVar:

NM_006918.5(SC5D):c.*2265C>G

Gene: SC5D (sterol-C5-desaturase; plus strand). Cytogenetic location: 11q24.1.
Variant type: single nucleotide variant.
Coding change: c.*2265C>G on transcript NM_006918.5 (MANE Select); 2265 bases downstream of the stop codon, C replaced by G.
Molecular consequence: 3 prime UTR variant.
Genome position (GRCh38, 1-based): chr11:121,309,777, C>G. VCF-style: chr11-121309777-C-G. GRCh37 (hg19) VCF-style: chr11-121180486-C-G.
Other names: c.*2265C>G (NM_001024956.3).
Identifiers: ClinVar variation 303077 (VCV000303077.5), dbSNP rs140956982, ClinGen allele CA10638083.

ClinVar aggregate classification (germline): Benign (1 of 4 stars; one submission).

Conditions:
Lathosterolosis. Also called: SC5D DEFICIENCY; STEROL C5-DESATURASE DEFICIENCY. Identifiers: Orphanet 46059, MedGen C1846421, MONDO:0011816, OMIM 607330.

Allele frequency attached by ClinVar (database versions not stated): gnomAD 0.00334 and 0.00353; TOPMed 0.00376; 1000 Genomes Project 30x 0.00500; 1000 Genomes Project 0.00519.
gnomAD v4.1: 510 of 152,280 alleles (0.33%); highest among the groups gnomAD compares: African/African-American, 1.1%; 2 homozygotes.

Submission:

Illumina Laboratory Services, Illumina
Classification: Benign for Lathosterolosis. Last evaluated: 2018-01-13. Review status: criteria provided, single submitter. Criteria: ICSL Variant Classification Criteria 13 December 2019. Collection method: clinical testing. Allele origin: germline.
Comment: This variant was observed in the ICSL laboratory as part of a predisposition screen in an ostensibly healthy population. It had not been previously curated by ICSL or reported in the Human Gene Mutation Database (HGMD: prior to June 1st, 2018), and was therefore a candidate for classification through an automated scoring system. Utilizing variant allele frequency, disease prevalence and penetrance estimates, and inheritance mode, an automated score was calculated to assess if this variant is too frequent to cause the disease. Based on the score and internal cut-off values, a variant classified as benign is not then subjected to further curation. The score for this variant resulted in a classification of benign for this disease.